The following is an entry in ClinVar:

NM_001371986.1(UNC80):c.9718T>C (p.Phe3240Leu)

Gene: UNC80 (unc-80 homolog, NALCN channel complex subunit; plus strand). Cytogenetic location: 2q34.
Variant type: single nucleotide variant.
Coding change: c.9718T>C on transcript NM_001371986.1 (MANE Select); coding-DNA position 9718, T replaced by C.
Protein change: p.Phe3240Leu; replaces phenylalanine 3240 with leucine.
Molecular consequence: missense variant.
Genome position (GRCh38, 1-based): chr2:209,995,338, T>C. VCF-style: chr2-209995338-T-C. GRCh37 (hg19) VCF-style: chr2-210860062-T-C.
Other names: c.9520T>C, p.Phe3174Leu (NM_032504.2); c.9448T>C, p.Phe3150Leu (NM_182587.4); short protein forms F3240L, F3150L, F3174L.
Identifiers: ClinVar variation 1489984 (VCV001489984.3), dbSNP rs2125036016, ClinGen allele CA350416146.

ClinVar aggregate classification (germline): Uncertain significance (1 of 4 stars; one submission).

Submission:

Labcorp Genetics (formerly Invitae), Labcorp
Classification: Uncertain significance. Last evaluated: 2021-09-03. Review status: criteria provided, single submitter. Criteria: Invitae Variant Classification Sherloc (09022015). Collection method: clinical testing. Allele origin: germline.
Comment: This sequence change replaces phenylalanine with leucine at codon 3174 of the UNC80 protein (p.Phe3174Leu). The phenylalanine residue is weakly conserved and there is a small physicochemical difference between phenylalanine and leucine. This variant is not present in population databases (ExAC no frequency). This variant has not been reported in the literature in individuals affected with UNC80-related conditions. Algorithms developed to predict the effect of missense changes on protein structure and function output the following: SIFT: "Not Available"; PolyPhen-2: "Benign"; Align-GVGD: "Not Available". The leucine amino acid residue is found in multiple mammalian species, which suggests that this missense change does not adversely affect protein function. In summary, the available evidence is currently insufficient to determine the role of this variant in disease. Therefore, it has been classified as a Variant of Uncertain Significance.